The following is an entry in ClinVar:

NM_005263.5(GFI1):c.568G>C (p.Gly190Arg)

Gene: GFI1 (growth factor independent 1 transcriptional repressor; minus strand). Cytogenetic location: 1p22.1.
Variant type: single nucleotide variant.
Coding change: c.568G>C on transcript NM_005263.5 (MANE Select); coding-DNA position 568, G replaced by C.
Protein change: p.Gly190Arg; replaces glycine 190 with arginine.
Molecular consequence: missense variant.
Genome position (GRCh38, 1-based): chr1:92,480,819, C>G on the plus strand (G>C on the coding strand, the complement: GFI1 is on the minus strand). VCF-style: chr1-92480819-C-G. GRCh37 (hg19) VCF-style: chr1-92946376-C-G.
Other names: c.568G>C, p.Gly190Arg (NM_001127215.3, NM_001127216.3); short protein forms G190R.
Identifiers: ClinVar variation 4029409 (VCV004029409.1).

ClinVar aggregate classification (germline): Uncertain significance (1 of 4 stars; one submission).

gnomAD v4.1: 1 of 1,567,720 alleles (0.000064%); highest among the groups gnomAD compares: Non-Finnish European, 0.000086%; no homozygotes.

Submission:

Ambry Genetics
Classification: Uncertain significance. Last evaluated: 2025-05-01. Review status: criteria provided, single submitter. Criteria: Ambry Variant Classification Scheme 2023. Collection method: clinical testing. Allele origin: germline.
Comment: The p.G190R variant (also known as c.568G>C), located in coding exon 3 of the GFI1 gene, results from a G to C substitution at nucleotide position 568. The glycine at codon 190 is replaced by arginine, an amino acid with dissimilar properties. This amino acid position is conserved. In addition, this alteration is predicted to be tolerated by in silico analysis. Based on the available evidence, the clinical significance of this variant remains unclear.